The following is an entry in ClinVar:

NM_000059.4(BRCA2):c.2908G>T (p.Asp970Tyr)

Gene: BRCA2 (BRCA2 DNA repair associated; plus strand). Cytogenetic location: 13q13.1.
Variant type: single nucleotide variant.
Coding change: c.2908G>T on transcript NM_000059.4 (MANE Select); coding-DNA position 2908, G replaced by T.
Protein change: p.Asp970Tyr; replaces aspartic acid 970 with tyrosine.
Molecular consequence: missense variant.
Genome position (GRCh38, 1-based): chr13:32,337,263, G>T. VCF-style: chr13-32337263-G-T. GRCh37 (hg19) VCF-style: chr13-32911400-G-T.
Other names: short protein forms D970Y.
Identifiers: ClinVar variation 1023270 (VCV001023270.10), dbSNP rs397507295, ClinGen allele CA387774184.

ClinVar aggregate classification (germline): Conflicting classifications of pathogenicity. Review status: criteria provided, conflicting classifications (1 of 4 stars). 2 submissions from 2 submitters: Uncertain significance (1); Likely benign (1). Last evaluated 2023-03-23.

Conditions:
Hereditary breast ovarian cancer syndrome. Also called: Breast and ovarian cancer; Hereditary breast and ovarian cancer syndrome (HBOC); Hereditary breast and ovarian cancer; Hereditary breast and/or ovarian cancer syndrome; BRCA1- and BRCA2-Associated Hereditary Breast and Ovarian Cancer; Hereditary breast and ovarian cancer syndrome. Identifiers: Orphanet 145, MedGen C0677776, MeSH D061325, MONDO:0003582. Disease mechanism: loss of function.
Hereditary cancer-predisposing syndrome. Also called: Hereditary Cancer Syndrome; Neoplastic Syndromes, Hereditary; Tumor predisposition; Hereditary neoplastic syndrome. Identifiers: Orphanet 140162, MedGen C0027672, MeSH D009386, MONDO:0015356.

gnomAD v4.1: 1 of 1,611,990 alleles (0.000062%); highest among the groups gnomAD compares: Non-Finnish European, 0.000085%; no homozygotes.

Submissions (2):

University of Washington Department of Laboratory Medicine, University of Washington
Classification: Likely benign for Hereditary cancer-predisposing syndrome. Last evaluated: 2023-03-23. Review status: criteria provided, single submitter. Criteria: Dines et al. (Genet Med. 2020). Collection method: curation. Allele origin: germline.
Comment: Missense variant in a coldspot region where missense variants are very unlikely to be pathogenic (PMID:31911673).

BRCA2 exon 11 coldspot. Reclassification based on statistical prior probability.

Labcorp Genetics (formerly Invitae), Labcorp
Classification: Uncertain significance for Hereditary breast ovarian cancer syndrome. Last evaluated: 2020-08-26. Review status: criteria provided, single submitter. Criteria: Invitae Variant Classification Sherloc (09022015). Collection method: clinical testing. Allele origin: germline.
Comment: This sequence change replaces aspartic acid with tyrosine at codon 970 of the BRCA2 protein (p.Asp970Tyr). The aspartic acid residue is weakly conserved and there is a large physicochemical difference between aspartic acid and tyrosine. This variant is not present in population databases (ExAC no frequency). This variant has not been reported in the literature in individuals with BRCA2-related conditions. Advanced modeling of protein sequence and biophysical properties (such as structural, functional, and spatial information, amino acid conservation, physicochemical variation, residue mobility, and thermodynamic stability) performed at Invitae indicates that this missense variant is not expected to disrupt BRCA2 protein function. In summary, the available evidence is currently insufficient to determine the role of this variant in disease. Therefore, it has been classified as a Variant of Uncertain Significance.